The following is an entry in ClinVar:

ClinVar aggregate classification (germline): Benign. Review status: criteria provided, multiple submitters, no conflicts (2 of 4 stars). 3 submissions from 3 submitters: Benign (3). Last evaluated 2021-08-19.

Conditions:
Congenital muscular dystrophy due to integrin alpha-7 deficiency. Also called: MYOPATHY, CONGENITAL, DUE TO INTEGRIN ALPHA-7 DEFICIENCY; Congenital muscular dystrophy with integrin alpha-7 deficiency; Muscular dystrophy, congenital, due to ITGA7 deficiency. Identifiers: Orphanet 34520, MedGen C2750786, MONDO:0013177, OMIM 613204.

Allele frequency attached by ClinVar (database versions not stated): ESP Exome Variant Server 0.56412; gnomAD 0.58989 and 0.59784; TOPMed 0.59739; ExAC 0.62116; 1000 Genomes Project 30x 0.69738; 1000 Genomes Project 0.70387.
gnomAD v4.1: 883,181 of 1,613,502 alleles (55%); highest among the groups gnomAD compares: East Asian, 94%; 250,309 homozygotes.

Submissions (3):

Genome-Nilou Lab
Classification: Benign for Congenital muscular dystrophy due to integrin alpha-7 deficiency. Last evaluated: 2021-08-19. Review status: criteria provided, single submitter. Criteria: ACMG Guidelines, 2015. Collection method: clinical testing. Allele origin: germline. Affected: no.

GeneDx
Classification: Benign. Last evaluated: 2018-06-14. Review status: criteria provided, single submitter. Criteria: GeneDx Variant Classification (06012015). Collection method: clinical testing. Allele origin: germline. Affected: yes.
Comment: This variant is considered likely benign or benign based on one or more of the following criteria: it is a conservative change, it occurs at a poorly conserved position in the protein, it is predicted to be benign by multiple in silico algorithms, and/or has population frequency not consistent with disease.

Breakthrough Genomics
Classification: Benign. Review status: criteria provided, single submitter. Criteria: ACMG Guidelines, 2015. Collection method: not provided. Allele origin: germline. Inheritance: Autosomal recessive inheritance. Affected: yes.

NM_002206.3(ITGA7):c.2357+21A>G

Genes: ITGA7 (integrin subunit alpha 7; minus strand), LOC126861535 (CDK7 strongly-dependent group 2 enhancer GRCh37_chr12:56087579-56088778; plus strand). Cytogenetic location: 12q13.2.
Variant type: single nucleotide variant.
Coding change: c.2357+21A>G on transcript NM_002206.3 (MANE Select); 21 bases into the intron after coding-DNA position 2357, A replaced by G.
Molecular consequence: intron variant.
Genome position (GRCh38, 1-based): chr12:55,694,422, T>C on the plus strand (A>G on the coding strand, the complement: ITGA7 is on the minus strand). VCF-style: chr12-55694422-T-C. GRCh37 (hg19) VCF-style: chr12-56088206-T-C.
Other names: c.2078+21A>G (NM_001144997.2); c.2030+21A>G (NM_001367993.1); c.2018+21A>G (NM_001414035.1); c.2174+21A>G (NM_001414033.1); c.1013+21A>G (NM_001367994.1); c.2237+21A>G (NM_001414032.1); c.2270+21A>G (NM_001414031.1); c.2339+21A>G (NM_001374465.1); and 5 more.
Identifiers: ClinVar variation 682025 (VCV000682025.4), dbSNP rs7953669, ClinGen allele CA6615638.